The following is an entry in ClinVar:

NM_005751.5(AKAP9):c.11518A>G (p.Ile3840Val)

Gene: AKAP9 (A-kinase anchoring protein 9; plus strand). Cytogenetic location: 7q21.2.
Variant type: single nucleotide variant.
Coding change: c.11518A>G on transcript NM_005751.5 (MANE Select); coding-DNA position 11518, A replaced by G.
Protein change: p.Ile3840Val; replaces isoleucine 3840 with valine.
Molecular consequence: missense variant.
Genome position (GRCh38, 1-based): chr7:92,107,394, A>G. VCF-style: chr7-92107394-A-G. GRCh37 (hg19) VCF-style: chr7-91736708-A-G.
Other names: c.6163A>G, p.Ile2055Val (NM_001379277.1); c.11494A>G, p.Ile3832Val (NM_147185.3); short protein forms I2055V, I3832V, I3840V.
Identifiers: ClinVar variation 1006889 (VCV001006889.10), dbSNP rs1175318913, ClinGen allele CA368164686.

ClinVar aggregate classification (germline): Uncertain significance. Review status: criteria provided, multiple submitters, no conflicts (2 of 4 stars). 2 submissions from 2 submitters: Uncertain significance (2). Last evaluated 2025-10-22.

Conditions:
Long QT syndrome (LQTS). Identifiers: MedGen C0023976, MeSH D008133, MONDO:0002442. Disease mechanism: loss of function. Inheritance: Various modes of inheritance.
Cardiovascular phenotype. Identifiers: MedGen CN230736.

Allele frequency attached by ClinVar (database versions not stated): gnomAD exomes below 0.00001 and 0.00001; gnomAD 0.00001; TOPMed 0.00002.
gnomAD v4.1: 4 of 1,613,744 alleles (0.00025%); highest among the groups gnomAD compares: Middle Eastern, 0.016%; no homozygotes.

Submissions (2):

Labcorp Genetics (formerly Invitae), Labcorp
Classification: Uncertain significance for Long QT syndrome. Last evaluated: 2025-10-22. Review status: criteria provided, single submitter. Criteria: Invitae Variant Classification Sherloc (09022015). Collection method: clinical testing. Allele origin: germline.
Comment: This sequence change replaces isoleucine, which is neutral and non-polar, with valine, which is neutral and non-polar, at codon 3840 of the AKAP9 protein (p.Ile3840Val). This variant is present in population databases (no rsID available, gnomAD 0.006%). This variant has not been reported in the literature in individuals affected with AKAP9-related conditions. ClinVar contains an entry for this variant (Variation ID: 1006889). An algorithm developed to predict the effect of missense changes on protein structure and function (PolyPhen-2) suggests that this variant is likely to be tolerated. In summary, the available evidence is currently insufficient to determine the role of this variant in disease. Therefore, it has been classified as a Variant of Uncertain Significance.

Ambry Genetics
Classification: Uncertain significance for Cardiovascular phenotype. Last evaluated: 2022-05-27. Review status: criteria provided, single submitter. Criteria: Ambry Variant Classification Scheme 2023. Collection method: clinical testing. Allele origin: germline.
Comment: The p.I3840V variant (also known as c.11518A>G), located in coding exon 48 of the AKAP9 gene, results from an A to G substitution at nucleotide position 11518. The isoleucine at codon 3840 is replaced by valine, an amino acid with highly similar properties. This amino acid position is conserved. In addition, this alteration is predicted to be tolerated by in silico analysis. Since supporting evidence is limited at this time, the clinical significance of this alteration remains unclear.